The following is an entry in ClinVar:

NM_032043.3(BRIP1):c.2032G>A (p.Ala678Thr)

Gene: BRIP1 (BRCA1 interacting DNA helicase 1; minus strand). Cytogenetic location: 17q23.2.
Variant type: single nucleotide variant.
Coding change: c.2032G>A on transcript NM_032043.3 (MANE Select); coding-DNA position 2032, G replaced by A.
Protein change: p.Ala678Thr; replaces alanine 678 with threonine.
Molecular consequence: missense variant.
Genome position (GRCh38, 1-based): chr17:61,776,466, C>T on the plus strand (G>A on the coding strand, the complement: BRIP1 is on the minus strand). VCF-style: chr17-61776466-C-T. GRCh37 (hg19) VCF-style: chr17-59853827-C-T.
Other names: short protein forms A678T.
Identifiers: ClinVar variation 1389542 (VCV001389542.9), dbSNP rs2077534711, ClinGen allele CA400478259.

ClinVar aggregate classification (germline): Uncertain significance. Review status: criteria provided, multiple submitters, no conflicts (2 of 4 stars). 2 submissions from 2 submitters: Uncertain significance (2). Last evaluated 2025-12-08.

Conditions:
Familial cancer of breast. Also called: BREAST CANCER, FAMILIAL; hereditary breast carcinoma; Hereditary breast cancer. Identifiers: Orphanet 227535, MedGen C0346153, MONDO:0016419, OMIM 114480. Disease mechanism: loss of function.
Fanconi anemia complementation group J. Also called: BRIP1-Related Fanconi Anemia. Identifiers: Orphanet 84, MedGen C1836860, MONDO:0012187, OMIM 609054.
Hereditary cancer-predisposing syndrome. Also called: Hereditary neoplastic syndrome; Neoplastic Syndromes, Hereditary; Hereditary Cancer Syndrome; Tumor predisposition. Identifiers: Orphanet 140162, MedGen C0027672, MeSH D009386, MONDO:0015356.

Allele frequency attached by ClinVar (database versions not stated): gnomAD exomes below 0.00001; TOPMed below 0.00001.
gnomAD v4.1: 1 of 1,614,138 alleles (0.000062%); highest among the groups gnomAD compares: South Asian, 0.0011%; no homozygotes.

Submissions (2):

Labcorp Genetics (formerly Invitae), Labcorp
Classification: Uncertain significance for Familial cancer of breast; Fanconi anemia complementation group J. Last evaluated: 2025-12-08. Review status: criteria provided, single submitter. Criteria: Invitae Variant Classification Sherloc (09022015). Collection method: clinical testing. Allele origin: germline.
Comment: This sequence change replaces alanine, which is neutral and non-polar, with threonine, which is neutral and polar, at codon 678 of the BRIP1 protein (p.Ala678Thr). This variant is not present in population databases (gnomAD no frequency). This variant has not been reported in the literature in individuals affected with BRIP1-related conditions. ClinVar contains an entry for this variant (Variation ID: 1389542). Invitae Evidence Modeling of protein sequence and biophysical properties (such as structural, functional, and spatial information, amino acid conservation, physicochemical variation, residue mobility, and thermodynamic stability) indicates that this missense variant is not expected to disrupt BRIP1 protein function with a negative predictive value of 95%. In summary, the available evidence is currently insufficient to determine the role of this variant in disease. Therefore, it has been classified as a Variant of Uncertain Significance.

Ambry Genetics
Classification: Uncertain significance for Hereditary cancer-predisposing syndrome. Last evaluated: 2023-07-15. Review status: criteria provided, single submitter. Criteria: Ambry Variant Classification Scheme 2023. Collection method: clinical testing. Allele origin: germline.
Comment: The p.A678T variant (also known as c.2032G>A), located in coding exon 13 of the BRIP1 gene, results from a G to A substitution at nucleotide position 2032. The alanine at codon 678 is replaced by threonine, an amino acid with similar properties. This amino acid position is not well conserved in available vertebrate species. In addition, this alteration is predicted to be tolerated by in silico analysis. Since supporting evidence is limited at this time, the clinical significance of this alteration remains unclear.